The following is an entry in ClinVar:

NM_020529.3(NFKBIA):c.478G>C (p.Val160Leu)

Gene: NFKBIA (NFKB inhibitor alpha; minus strand). Cytogenetic location: 14q13.2.
Variant type: single nucleotide variant.
Coding change: c.478G>C on transcript NM_020529.3 (MANE Select); coding-DNA position 478, G replaced by C.
Protein change: p.Val160Leu; replaces valine 160 with leucine.
Molecular consequence: missense variant.
Genome position (GRCh38, 1-based): chr14:35,403,219, C>G on the plus strand (G>C on the coding strand, the complement: NFKBIA is on the minus strand). VCF-style: chr14-35403219-C-G. GRCh37 (hg19) VCF-style: chr14-35872425-C-G.
Other names: short protein forms V160L.
Identifiers: ClinVar variation 2134265 (VCV002134265.4), dbSNP rs2052747640, ClinGen allele CA389453066.

ClinVar aggregate classification (germline): Uncertain significance (1 of 4 stars; one submission).

Conditions:
Ectodermal dysplasia and immunodeficiency 2. Identifiers: Orphanet 238468, Orphanet 98813, MedGen C2677481, MONDO:0012806, OMIM 612132.

Submission:

Labcorp Genetics (formerly Invitae), Labcorp
Classification: Uncertain significance for Ectodermal dysplasia and immunodeficiency 2. Last evaluated: 2022-08-11. Review status: criteria provided, single submitter. Criteria: Invitae Variant Classification Sherloc (09022015). Collection method: clinical testing. Allele origin: germline.
Comment: In summary, the available evidence is currently insufficient to determine the role of this variant in disease. Therefore, it has been classified as a Variant of Uncertain Significance. Algorithms developed to predict the effect of missense changes on protein structure and function (SIFT, PolyPhen-2, Align-GVGD) all suggest that this variant is likely to be tolerated. This variant has not been reported in the literature in individuals affected with NFKBIA-related conditions. This variant is not present in population databases (gnomAD no frequency). This sequence change replaces valine, which is neutral and non-polar, with leucine, which is neutral and non-polar, at codon 160 of the NFKBIA protein (p.Val160Leu).